The following is an entry in ClinVar:

ClinVar aggregate classification (germline): Pathogenic (1 of 4 stars; one submission).

Conditions:
Nemaline myopathy. Also called: Myopathies, Nemaline. Identifiers: Orphanet 607, MedGen C0206157, MONDO:0018958.

Submission:

Muscle and Diseases Team, Institut de Génétique et Biologie Moléculaire et Cellulaire
Classification: Pathogenic for Nemaline myopathy. Last evaluated: 2024-03-01. Review status: criteria provided, single submitter. Criteria: ACMG Guidelines, 2015. Collection method: research. Allele origin: biparental. Affected: yes. Observed: 1 variant allele.
Comment: PVS1+PS3+PM1+PM2+PP3+PP4

Literature cited by the submitters: DOI 10.1186/s13073-024-01353-0; PubMed 25205138; PubMed 24725366.

NM_001164508.2(NEB):c.24436_24439dup (p.Thr8147fs)

Genes: NEB (nebulin; minus strand), RIF1 (replication timing regulatory factor 1; plus strand). Cytogenetic location: 2q23.3.
Variant type: Duplication.
Coding change: c.24436_24439dup on transcript NM_001164508.2 (MANE Select); coding-DNA positions 24436 to 24439, 4 bases duplicated (GTCA; older notation c.24436_24439dupGTCA).
Protein change: p.Thr8147fs; shifts the reading frame from threonine 8147.
Molecular consequence: frameshift variant.
Genome position (GRCh38, 1-based): chr2:151,496,323-151,496,326, TGAC duplicated on the plus strand (GTCA on the coding strand, the reverse complement: NEB is on the minus strand). VCF-style (leftmost placement, unchanged base first): chr2-151496322-G-GTGAC. GRCh37 (hg19) VCF-style: chr2-152352836-G-GTGAC.
Other names: c.24436_24439dup, p.Thr8147fs (NM_001164507.2); c.24541_24544dup, p.Thr8182fs (NM_001271208.2); c.18868_18871dup, p.Thr6291fs (NM_004543.5); short protein forms T6291fs, T8147fs, T8182fs.
Identifiers: ClinVar variation 3233267 (VCV003233267.2), dbSNP rs2551810882.
Genomic context (GRCh38, chr2:151,496,322, plus strand): 5'-TTCTCGCCAAGTACCGAGCTAATATTTTCTTGATTGTGTTTGACTCGCTCCATCTCGGGA[G>GTGAC]TGACAGCTAAAGGAGTTCCCTTGCCCATGTTTTCTTTGTATAACACCTGTGCGATGAGAA-3'